The following is an entry in ClinVar:

ClinVar aggregate classification (germline): Uncertain significance (1 of 4 stars; one submission).

Conditions:
Oligodontia-cancer predisposition syndrome. Also called: TOOTH AGENESIS-COLORECTAL CANCER SYNDROME. Identifiers: Orphanet 300576, MedGen C1837750, MONDO:0012075, OMIM 608615. Disease mechanism: loss of function.

Submission:

Labcorp Genetics (formerly Invitae), Labcorp
Classification: Uncertain significance for Oligodontia-cancer predisposition syndrome. Last evaluated: 2024-05-13. Review status: criteria provided, single submitter. Criteria: Invitae Variant Classification Sherloc (09022015). Collection method: clinical testing. Allele origin: germline.
Comment: This sequence change results in a frameshift in the AXIN2 gene (p.Tyr804Serfs*56). While this is not anticipated to result in nonsense mediated decay, it is expected to disrupt the last 40 amino acid(s) of the AXIN2 protein and extend the protein by 15 additional amino acid residues. This variant is not present in population databases (gnomAD no frequency). This variant has not been reported in the literature in individuals affected with AXIN2-related conditions. Experimental studies and prediction algorithms are not available or were not evaluated, and the functional significance of this variant is currently unknown. In summary, the available evidence is currently insufficient to determine the role of this variant in disease. Therefore, it has been classified as a Variant of Uncertain Significance.

NM_004655.4(AXIN2):c.2411_2414del (p.Tyr804fs)

Gene: AXIN2 (axin 2; minus strand). Cytogenetic location: 17q24.1.
Variant type: Deletion.
Coding change: c.2411_2414del on transcript NM_004655.4 (MANE Select); coding-DNA positions 2411 to 2414, 4 bases deleted (ACTT; older notation c.2411_2414delACTT).
Protein change: p.Tyr804fs; shifts the reading frame from tyrosine 804.
Molecular consequence: frameshift variant.
Genome position (GRCh38, 1-based): chr17:65,530,094-65,530,097, AAGT deleted on the plus strand (ACTT on the coding strand, the reverse complement: AXIN2 is on the minus strand); deleting any 4 consecutive bases within chr17:65,530,094-65,530,099 gives the same sequence; the c. name uses the placement nearest the transcript's 3' end. VCF-style (leftmost placement, unchanged base first): chr17-65530093-GAAGT-G. GRCh37 (hg19) VCF-style: chr17-63526211-GAAGT-G.
Other names: c.2216_2219del, p.Tyr739fs (NM_001363813.1); short protein forms Y739fs, Y804fs.
Identifiers: ClinVar variation 3703370 (VCV003703370.2).